The following is an entry in ClinVar:

NM_005228.5(EGFR):c.3456C>G (p.Asp1152Glu)

Gene: EGFR (epidermal growth factor receptor; plus strand). Cytogenetic location: 7p11.2.
Variant type: single nucleotide variant.
Coding change: c.3456C>G on transcript NM_005228.5 (MANE Select); coding-DNA position 3456, C replaced by G.
Protein change: p.Asp1152Glu; replaces aspartic acid 1152 with glutamic acid.
Molecular consequence: missense variant.
Genome position (GRCh38, 1-based): chr7:55,205,440, C>G. VCF-style: chr7-55205440-C-G. GRCh37 (hg19) VCF-style: chr7-55273133-C-G.
Other names: c.3321C>G, p.Asp1107Glu (NM_001346899.2); c.3297C>G, p.Asp1099Glu (NM_001346900.2); c.2655C>G, p.Asp885Glu (NM_001346941.2); c.3456C>G (NM_005228.3); short protein forms D885E, D1107E, D1152E, D1099E.
Identifiers: ClinVar variation 1478111 (VCV001478111.9), dbSNP rs996715780, ClinGen allele CA158940600.
Genomic context (GRCh38, chr7:55,205,440, plus strand): 5'-AGTGGGCAACCCCGAGTATCTCAACACTGTCCAGCCCACCTGTGTCAACAGCACATTCGA[C>G]AGCCCTGCCCACTGGGCCCAGAAAGGCAGCCACCAAATTAGCCTGGACAACCCTGACTAC-3'
Protein context (NP_005219.2, residues 1142-1162): VQPTCVNSTF[Asp1152Glu]SPAHWAQKGS

ClinVar aggregate classification (germline): Uncertain significance. Review status: criteria provided, multiple submitters, no conflicts (2 of 4 stars). 2 submissions from 2 submitters: Uncertain significance (2). Last evaluated 2026-06-13.

Conditions:
EGFR-related lung cancer (EGFR). Identifiers: MedGen CN130014.
Hereditary cancer-predisposing syndrome. Also called: Tumor predisposition; Neoplastic Syndromes, Hereditary; Hereditary Cancer Syndrome; Hereditary neoplastic syndrome. Identifiers: Orphanet 140162, MedGen C0027672, MeSH D009386, MONDO:0015356.

Allele frequency attached by ClinVar (database versions not stated): gnomAD exomes below 0.00001.
gnomAD v4.1: 1 of 1,614,194 alleles (0.000062%); highest among the groups gnomAD compares: Admixed American, 0.0017%; no homozygotes.

Submissions (2):

Ambry Genetics
Classification: Uncertain significance for Hereditary cancer-predisposing syndrome. Last evaluated: 2026-06-13. Review status: criteria provided, single submitter. Criteria: Ambry Variant Classification Scheme 2023. Collection method: clinical testing. Allele origin: germline.
Comment: The p.D1152E variant (also known as c.3456C>G), located in coding exon 28 of the EGFR gene, results from a C to G substitution at nucleotide position 3456. The aspartic acid at codon 1152 is replaced by glutamic acid, an amino acid with highly similar properties. This amino acid position is conserved. In addition, this alteration is predicted to be tolerated by in silico analysis. Based on the available evidence, the clinical significance of this variant remains unclear.

Labcorp Genetics (formerly Invitae), Labcorp
Classification: Uncertain significance for EGFR-related lung cancer. Last evaluated: 2021-06-28. Review status: criteria provided, single submitter. Criteria: Invitae Variant Classification Sherloc (09022015). Collection method: clinical testing. Allele origin: germline.
Comment: This sequence change replaces aspartic acid with glutamic acid at codon 1152 of the EGFR protein (p.Asp1152Glu). The aspartic acid residue is weakly conserved and there is a small physicochemical difference between aspartic acid and glutamic acid. This variant is not present in population databases (ExAC no frequency). This variant has not been reported in the literature in individuals with EGFR-related conditions. Algorithms developed to predict the effect of missense changes on protein structure and function (SIFT, PolyPhen-2, Align-GVGD) all suggest that this variant is likely to be tolerated, but these predictions have not been confirmed by published functional studies and their clinical significance is uncertain. In summary, the available evidence is currently insufficient to determine the role of this variant in disease. Therefore, it has been classified as a Variant of Uncertain Significance.